The following is an entry in ClinVar:

ClinVar aggregate classification (germline): Conflicting classifications of pathogenicity. Review status: criteria provided, conflicting classifications (1 of 4 stars). 3 submissions from 3 submitters: Uncertain significance (1); Likely benign (2). Last evaluated 2025-06-23.

Conditions:
SNORD118-related condition.

Allele frequency attached by ClinVar (database versions not stated): 1000 Genomes Project 0.00060; ESP Exome Variant Server 0.00105.
gnomAD v4.1: 777 of 765,260 alleles (0.1%); highest among the groups gnomAD compares: South Asian, 0.19%; no homozygotes.

Submissions (3):

Labcorp Genetics (formerly Invitae), Labcorp
Classification: Likely benign. Last evaluated: 2025-06-23. Review status: criteria provided, single submitter. Criteria: Invitae Variant Classification Sherloc (09022015). Collection method: clinical testing. Allele origin: germline.

PreventionGenetics, part of Exact Sciences
Classification: Likely benign for SNORD118-related condition. Last evaluated: 2025-06-18. Review status: criteria provided, single submitter. Criteria: ACMG Guidelines, 2015. Collection method: clinical testing. Allele origin: germline.
Comment: This variant is classified as likely benign based on ACMG/AMP sequence variant interpretation guidelines (Richards et al. 2015 PMID: 25741868, with internal and published modifications).

Blueprint Genetics
Classification: Uncertain significance. Last evaluated: 2024-08-26. Review status: criteria provided, single submitter. Criteria: ACMG Guidelines, 2015. Collection method: clinical testing. Allele origin: germline.

NR_033294.2(SNORD118):n.92C>T

Genes: SNORD118 (small nucleolar RNA, C/D box 118; minus strand), TMEM107 (transmembrane protein 107; minus strand). Cytogenetic location: 17p13.1.
Variant type: single nucleotide variant.
Molecular consequence: non-coding transcript variant (on NR_033294.2). On other transcripts: 3 prime UTR variant (5).
Genome position: GRCh38 VCF-style: chr17-8173497-G-A. GRCh37 (hg19) VCF-style: chr17-8076815-G-A.
Other names: c.*706C>T (NM_001351278.2, NM_001351279.2, NM_001351280.2 and 2 more transcripts).
Identifiers: ClinVar variation 1632208 (VCV001632208.10), dbSNP rs74861860, ClinGen allele CA8370645.